The following is an entry in ClinVar:

ClinVar aggregate classification (germline): Likely benign (0 of 4 stars; one submission).

Conditions:
SPTB-related disorder. Also called: SPTB-related condition; SPTB-Related Disorders.

Allele frequency attached by ClinVar (database versions not stated): gnomAD 0.00001; ExAC 0.00007.
gnomAD v4.1: 33 of 1,613,962 alleles (0.002%); highest among the groups gnomAD compares: South Asian, 0.035%; no homozygotes.

Submission:

PreventionGenetics, part of Exact Sciences
Classification: Likely benign for SPTB-related condition. Last evaluated: 2019-02-19. Review status: no assertion criteria provided. Collection method: clinical testing. Allele origin: germline.
Comment: This variant is classified as likely benign based on ACMG/AMP sequence variant interpretation guidelines (Richards et al. 2015 PMID: 25741868, with internal and published modifications).

NM_001355436.2(SPTB):c.3768C>T (p.His1256=)

Gene: SPTB (spectrin beta, erythrocytic; minus strand). Cytogenetic location: 14q23.3.
Variant type: single nucleotide variant.
Coding change: c.3768C>T on transcript NM_001355436.2 (MANE Select); coding-DNA position 3768, C replaced by T.
Protein change: p.His1256=; no amino-acid change (histidine 1256 retained).
Molecular consequence: synonymous variant.
Genome position (GRCh38, 1-based): chr14:64,785,624, G>A on the plus strand (C>T on the coding strand, the complement: SPTB is on the minus strand). VCF-style: chr14-64785624-G-A. GRCh37 (hg19) VCF-style: chr14-65252342-G-A.
Other names: c.3768C>T, p.His1256= (NM_001024858.4, NM_001355437.2).
Identifiers: ClinVar variation 3049658 (VCV003049658.2), dbSNP rs761421171, ClinGen allele CA7230509.